The following is an entry in ClinVar:

ClinVar aggregate classification (germline): Uncertain significance. Review status: criteria provided, multiple submitters, no conflicts (2 of 4 stars). 2 submissions from 2 submitters: Uncertain significance (2). Last evaluated 2022-10-30.

Allele frequency attached by ClinVar (database versions not stated): TOPMed 0.00001; gnomAD exomes 0.00002.
gnomAD v4.1: 31 of 1,614,108 alleles (0.0019%); highest among the groups gnomAD compares: Non-Finnish European, 0.0024%; no homozygotes.

Submissions (2):

Blueprint Genetics
Classification: Uncertain significance. Last evaluated: 2022-10-30. Review status: criteria provided, single submitter. Criteria: ACMG Guidelines, 2015. Collection method: clinical testing. Allele origin: germline.

Labcorp Genetics (formerly Invitae), Labcorp
Classification: Uncertain significance. Last evaluated: 2022-05-10. Review status: criteria provided, single submitter. Criteria: Invitae Variant Classification Sherloc (09022015). Collection method: clinical testing. Allele origin: germline.
Comment: This sequence change replaces isoleucine, which is neutral and non-polar, with leucine, which is neutral and non-polar, at codon 625 of the DHX38 protein (p.Ile625Leu). In summary, the available evidence is currently insufficient to determine the role of this variant in disease. Therefore, it has been classified as a Variant of Uncertain Significance. Algorithms developed to predict the effect of missense changes on protein structure and function are either unavailable or do not agree on the potential impact of this missense change (SIFT: "Deleterious"; PolyPhen-2: "Benign"; Align-GVGD: "Class C0"). This variant has not been reported in the literature in individuals affected with DHX38-related conditions. This variant is present in population databases (no rsID available, gnomAD 0.0009%).

NM_014003.4(DHX38):c.1873A>C (p.Ile625Leu)

Gene: DHX38 (DEAH-box helicase 38; plus strand). Cytogenetic location: 16q22.2.
Variant type: single nucleotide variant.
Coding change: c.1873A>C on transcript NM_014003.4 (MANE Select); coding-DNA position 1873, A replaced by C.
Protein change: p.Ile625Leu; replaces isoleucine 625 with leucine.
Molecular consequence: missense variant.
Genome position (GRCh38, 1-based): chr16:72,103,994, A>C. VCF-style: chr16-72103994-A-C. GRCh37 (hg19) VCF-style: chr16-72137893-A-C.
Other names: short protein forms I625L.
Identifiers: ClinVar variation 1992892 (VCV001992892.5), dbSNP rs908857728, ClinGen allele CA283683914.